The following is an entry in ClinVar:

NM_022336.4(EDAR):c.1024+2T>C

Genes: EDAR (ectodysplasin A receptor; minus strand), RANBP2 (RAN binding protein 2; plus strand). Cytogenetic location: 2q13.
Variant type: single nucleotide variant.
Coding change: c.1024+2T>C on transcript NM_022336.4 (MANE Select); the canonical splice donor site of the intron after coding-DNA position 1024, T replaced by C.
Molecular consequence: splice donor variant.
Genome position (GRCh38, 1-based): chr2:108,906,306, A>G on the plus strand (T>C on the coding strand, the complement: EDAR is on the minus strand). VCF-style: chr2-108906306-A-G. GRCh37 (hg19) VCF-style: chr2-109522762-A-G.
Identifiers: ClinVar variation 2948715 (VCV002948715.3), dbSNP rs1574368295, ClinGen allele CA348050301.

ClinVar aggregate classification (germline): Pathogenic (1 of 4 stars; one submission).

Conditions:
Ectodermal dysplasia 10A, hypohidrotic/hair/nail type, autosomal dominant (ECTD10A). Also called: Ectodermal Dysplasia 3, Anhidrotic. Identifiers: Orphanet 1810, Orphanet 238468, MedGen C3888065, MONDO:0007509, OMIM 129490.
Autosomal recessive hypohidrotic ectodermal dysplasia syndrome. Also called: Autosomal recessive hypohidrotic ectodermal dysplasia. Identifiers: Orphanet 248, MedGen C0406702, MONDO:0016619.

Submission:

Labcorp Genetics (formerly Invitae), Labcorp
Classification: Pathogenic for Ectodermal dysplasia 10A, hypohidrotic/hair/nail type, autosomal dominant; Autosomal recessive hypohidrotic ectodermal dysplasia syndrome. Last evaluated: 2024-05-02. Review status: criteria provided, single submitter. Criteria: Invitae Variant Classification Sherloc (09022015). Collection method: clinical testing. Allele origin: germline.
Comment: This sequence change affects a donor splice site in intron 11 of the EDAR gene. While this variant is not anticipated to result in nonsense mediated decay, it likely alters RNA splicing and results in a disrupted protein product. This variant is not present in population databases (gnomAD no frequency). This variant has not been reported in the literature in individuals affected with EDAR-related conditions. Variants that disrupt the consensus splice site are a relatively common cause of aberrant splicing (PMID: 17576681, 9536098). Algorithms developed to predict the effect of sequence changes on RNA splicing suggest that this variant may disrupt the consensus splice site. This variant disrupts a region of the EDAR protein in which other variant(s) (p.Phe398*) have been determined to be pathogenic (PMID: 23401279, 24641098). This suggests that this is a clinically significant region of the protein, and that variants that disrupt it are likely to be disease-causing. For these reasons, this variant has been classified as Pathogenic.

Literature cited by the submitters: PubMed 17576681; PubMed 9536098; PubMed 23401279; PubMed 24641098.